The following is an entry in ClinVar:

NM_015338.6(ASXL1):c.4039G>A (p.Gly1347Ser)

Gene: ASXL1 (ASXL transcriptional regulator 1; plus strand). Cytogenetic location: 20q11.21.
Variant type: single nucleotide variant.
Coding change: c.4039G>A on transcript NM_015338.6 (MANE Select); coding-DNA position 4039, G replaced by A.
Protein change: p.Gly1347Ser; replaces glycine 1347 with serine.
Molecular consequence: missense variant.
Genome position (GRCh38, 1-based): chr20:32,436,751, G>A. VCF-style: chr20-32436751-G-A. GRCh37 (hg19) VCF-style: chr20-31024554-G-A.
Other names: c.3856G>A, p.Gly1286Ser (NM_001363734.1); short protein forms G1286S, G1347S.
Identifiers: ClinVar variation 4158972 (VCV004158972.1).

ClinVar aggregate classification (germline): Uncertain significance (1 of 4 stars; one submission).

Conditions:
Inborn genetic diseases. Identifiers: MedGen C0950123, MeSH D030342.

gnomAD v4.1: 3 of 1,614,038 alleles (0.00019%); highest among the groups gnomAD compares: Non-Finnish European, 0.00025%; no homozygotes.

Submission:

Ambry Genetics
Classification: Uncertain significance for Inborn genetic diseases. Last evaluated: 2025-08-20. Review status: criteria provided, single submitter. Criteria: Ambry Variant Classification Scheme 2023. Collection method: clinical testing. Allele origin: germline.
Comment: The p.G1347S variant (also known as c.4039G>A), located in coding exon 13 of the ASXL1 gene, results from a G to A substitution at nucleotide position 4039. The glycine at codon 1347 is replaced by serine, an amino acid with similar properties. This amino acid position is conserved. In addition, this alteration is predicted to be tolerated by in silico analysis. Based on the available evidence, the clinical significance of this variant remains unclear.